The following is an entry in ClinVar:

ClinVar aggregate classification (germline): Likely benign (0 of 4 stars; one submission).

Conditions:
EP400-related disorder. Also called: EP400-related condition.

Allele frequency attached by ClinVar (database versions not stated): gnomAD exomes below 0.00001; gnomAD 0.00002; TOPMed 0.00003; 1000 Genomes Project 30x 0.00016.

Submission:

PreventionGenetics, part of Exact Sciences
Classification: Likely benign for EP400-related condition. Last evaluated: 2020-03-10. Review status: no assertion criteria provided. Collection method: clinical testing. Allele origin: germline.
Comment: This variant is classified as likely benign based on ACMG/AMP sequence variant interpretation guidelines (Richards et al. 2015 PMID: 25741868, with internal and published modifications).

NM_015409.5(EP400):c.-5T>C

Gene: EP400 (E1A binding protein p400; plus strand). Cytogenetic location: 12q24.33.
Variant type: single nucleotide variant.
Coding change: c.-5T>C on transcript NM_015409.5 (MANE Select); 5 bases upstream of the start codon, T replaced by C.
Molecular consequence: 5 prime UTR variant.
Genome position (GRCh38, 1-based): chr12:131,960,615, T>C. VCF-style: chr12-131960615-T-C. GRCh37 (hg19) VCF-style: chr12-132445160-T-C.
Identifiers: ClinVar variation 3057873 (VCV003057873.2), dbSNP rs1395458464, ClinGen allele CA608511427.